The following is an entry in ClinVar:

ClinVar aggregate classification (germline): Pathogenic/Likely pathogenic. Review status: criteria provided, multiple submitters, no conflicts (2 of 4 stars). 4 submissions from 4 submitters: Pathogenic (1); Likely pathogenic (2). 1 of the submissions does not count toward it. Last evaluated 2024-05-28.

Conditions:
Lamellar ichthyosis. Identifiers: Orphanet 313, MedGen C5848247, MONDO:0017778.
Ichthyosis prematurity syndrome (IPS). Also called: ICHTHYOSIS CONGENITA IV. Identifiers: Orphanet 88621, MedGen C1837610, MONDO:0012089, OMIM 608649.

Allele frequency attached by ClinVar (database versions not stated): gnomAD 0.00001; TOPMed 0.00001; gnomAD exomes 0.00002.
gnomAD v4.1: 25 of 1,613,576 alleles (0.0015%); highest among the groups gnomAD compares: East Asian, 0.0022%; no homozygotes.

Submissions (4):

Fulgent Genetics
Classification: Likely pathogenic for Ichthyosis prematurity syndrome. Last evaluated: 2024-05-28. Review status: criteria provided, single submitter. Criteria: ACMG Guidelines, 2015. Collection method: clinical testing. Allele origin: germline.

Labcorp Genetics (formerly Invitae), Labcorp
Classification: Pathogenic. Last evaluated: 2023-10-25. Review status: criteria provided, single submitter. Criteria: Invitae Variant Classification Sherloc (09022015). Collection method: clinical testing. Allele origin: germline.
Comment: This sequence change creates a premature translational stop signal (p.Arg502*) in the SLC27A4 gene. It is expected to result in an absent or disrupted protein product. Loss-of-function variants in SLC27A4 are known to be pathogenic (PMID: 19631310, 21450060). This variant is not present in population databases (gnomAD no frequency). This variant has not been reported in the literature in individuals affected with SLC27A4-related conditions. ClinVar contains an entry for this variant (Variation ID: 156253). For these reasons, this variant has been classified as Pathogenic.

Women's Health and Genetics/Laboratory Corporation of America, LabCorp
Classification: Likely pathogenic for Lamellar ichthyosis. Last evaluated: 2022-05-11. Review status: criteria provided, single submitter. Criteria: LabCorp Variant Classification Summary - May 2015. Collection method: clinical testing. Allele origin: germline.
Comment: Variant summary: SLC27A4 c.1504C>T (p.Arg502X) results in a premature termination codon, predicted to cause a truncation of the encoded protein or absence of the protein due to nonsense mediated decay, which are commonly known mechanisms for disease. The variant was absent in 250700 control chromosomes (gnomAD). To our knowledge, no occurrence of c.1504C>T in individuals affected with Lamellar Ichthyosis and no experimental evidence demonstrating its impact on protein function have been reported. No clinical diagnostic laboratories have submitted clinical-significance assessments for this variant to ClinVar after 2014. Based on the evidence outlined above, the variant was classified as likely pathogenic.

Laboratory for Molecular Psychiatry, RIKEN
No classification provided. Review status: no classification provided. Collection method: not provided. Allele origin: not provided. Not counted in ClinVar's aggregate classification.

Literature cited by the submitters: PubMed 19631310 (cited by Labcorp Genetics (formerly Invitae), Labcorp); PubMed 21450060 (cited by Labcorp Genetics (formerly Invitae), Labcorp).

NM_005094.4(SLC27A4):c.1504C>T (p.Arg502Ter)

Gene: SLC27A4 (solute carrier family 27 member 4; plus strand). Cytogenetic location: 9q34.11.
Variant type: single nucleotide variant.
Coding change: c.1504C>T on transcript NM_005094.4 (MANE Select); coding-DNA position 1504, C replaced by T.
Protein change: p.Arg502Ter; replaces arginine 502 with a stop codon.
Molecular consequence: nonsense.
Genome position (GRCh38, 1-based): chr9:128,355,439, C>T. VCF-style: chr9-128355439-C-T. GRCh37 (hg19) VCF-style: chr9-131117718-C-T.
Other names: short protein forms R502*.
Identifiers: ClinVar variation 156253 (VCV000156253.7), dbSNP rs587776384, ClinGen allele CA235561.